The following is an entry in ClinVar:

ClinVar aggregate classification (germline): Uncertain significance. Review status: criteria provided, multiple submitters, no conflicts (2 of 4 stars). 2 submissions from 2 submitters: Uncertain significance (2). Last evaluated 2025-08-27.

Conditions:
Inborn genetic diseases. Identifiers: MedGen C0950123, MeSH D030342.

gnomAD v4.1: 3 of 1,613,968 alleles (0.00019%); highest among the groups gnomAD compares: East Asian, 0.0045%; no homozygotes.

Submissions (2):

Ambry Genetics
Classification: Uncertain significance for Inborn genetic diseases. Last evaluated: 2025-08-27. Review status: criteria provided, single submitter. Criteria: Ambry Variant Classification Scheme 2023. Collection method: clinical testing. Allele origin: germline.

GeneDx
Classification: Uncertain significance. Last evaluated: 2023-11-03. Review status: criteria provided, single submitter. Criteria: GeneDx Variant Classification Process June 2021. Collection method: clinical testing. Allele origin: germline. Affected: yes.
Comment: In silico analysis supports that this missense variant does not alter protein structure/function; Has not been previously published as pathogenic or benign to our knowledge

NM_001134407.3(GRIN2A):c.3608C>T (p.Thr1203Ile)

Gene: GRIN2A (glutamate ionotropic receptor NMDA type subunit 2A; minus strand). Cytogenetic location: 16p13.2.
Variant type: single nucleotide variant.
Coding change: c.3608C>T on transcript NM_001134407.3 (MANE Select); coding-DNA position 3608, C replaced by T.
Protein change: p.Thr1203Ile; replaces threonine 1203 with isoleucine.
Molecular consequence: missense variant.
Genome position (GRCh38, 1-based): chr16:9,763,936, G>A on the plus strand (C>T on the coding strand, the complement: GRIN2A is on the minus strand). VCF-style: chr16-9763936-G-A. GRCh37 (hg19) VCF-style: chr16-9857793-G-A.
Other names: c.3608C>T, p.Thr1203Ile (NM_000833.5, NM_001134408.2); short protein forms T1203I.
Identifiers: ClinVar variation 3363743 (VCV003363743.2).
Genomic context (GRCh38, chr16:9,763,936, plus strand): 5'-GTGGGCATGTTGGAAAGGCAGCTTCTGCAGTGCGTGGAGTTCTGCCGGTATCGCTCGCTG[G>A]TCTCACTGTGCGGGGAACCCTTGTCTTTCAAGGTGAAGTGCTTGGAGTAGAGTTTATACT-3'
Protein context (NP_001127879.1, residues 1193-1213): LKDKGSPHSE[Thr1203Ile]SERYRQNSTH